The following is an entry in ClinVar:

NM_031935.3(HMCN1):c.7645A>T (p.Thr2549Ser)

Gene: HMCN1 (hemicentin 1; plus strand). Cytogenetic location: 1q31.1.
Variant type: single nucleotide variant.
Coding change: c.7645A>T on transcript NM_031935.3 (MANE Select); coding-DNA position 7645, A replaced by T.
Protein change: p.Thr2549Ser; replaces threonine 2549 with serine.
Molecular consequence: missense variant.
Genome position (GRCh38, 1-based): chr1:186,065,369, A>T. VCF-style: chr1-186065369-A-T. GRCh37 (hg19) VCF-style: chr1-186034501-A-T.
Other names: short protein forms T2549S.
Identifiers: ClinVar variation 3000231 (VCV003000231.3), dbSNP rs753619725, ClinGen allele CA1292899.
Genomic context (GRCh38, chr1:186,065,369, plus strand): 5'-ATATCTGGTGGCCGTTTTCTTCAAATTACCAATGTCCAGGTGCCACACACTGGAAGATAT[A>T]CATGTTTGGCTTCCAGTCCAGCTGGCCACAAGAGCAGGAGCTTCAGTCTTAATGTATTTG-3'
Protein context (NP_114141.2, residues 2539-2559): NVQVPHTGRY[Thr2549Ser]CLASSPAGHK

ClinVar aggregate classification (germline): Uncertain significance (1 of 4 stars; one submission).

Allele frequency attached by ClinVar (database versions not stated): ExAC 0.00002.
gnomAD v4.1: 4 of 1,611,780 alleles (0.00025%); highest among the groups gnomAD compares: East Asian, 0.0089%; no homozygotes.

Submission:

Labcorp Genetics (formerly Invitae), Labcorp
Classification: Uncertain significance. Last evaluated: 2023-07-12. Review status: criteria provided, single submitter. Criteria: Invitae Variant Classification Sherloc (09022015). Collection method: clinical testing. Allele origin: germline.
Comment: In summary, the available evidence is currently insufficient to determine the role of this variant in disease. Therefore, it has been classified as a Variant of Uncertain Significance. Algorithms developed to predict the effect of missense changes on protein structure and function output the following: SIFT: "Not Available"; PolyPhen-2: "Benign"; Align-GVGD: "Not Available". The serine amino acid residue is found in multiple mammalian species, which suggests that this missense change does not adversely affect protein function. This variant has not been reported in the literature in individuals affected with HMCN1-related conditions. This variant is present in population databases (rs753619725, gnomAD 0.03%). This sequence change replaces threonine, which is neutral and polar, with serine, which is neutral and polar, at codon 2549 of the HMCN1 protein (p.Thr2549Ser).